The following is an entry in ClinVar:

NM_000219.6(KCNE1):c.245T>C (p.Ile82Thr)

Gene: KCNE1 (potassium voltage-gated channel subfamily E regulatory subunit 1; minus strand). Cytogenetic location: 21q22.12.
Variant type: single nucleotide variant.
Coding change: c.245T>C on transcript NM_000219.6 (MANE Select); coding-DNA position 245, T replaced by C.
Protein change: p.Ile82Thr; replaces isoleucine 82 with threonine.
Molecular consequence: missense variant.
Genome position (GRCh38, 1-based): chr21:34,449,390, A>G on the plus strand (T>C on the coding strand, the complement: KCNE1 is on the minus strand). VCF-style: chr21-34449390-A-G. GRCh37 (hg19) VCF-style: chr21-35821688-A-G.
Other names: c.245T>C, p.Ile82Thr (NM_001127668.4, NM_001127669.4, NM_001127670.4 and 4 more transcripts); short protein forms I82T.
Identifiers: ClinVar variation 3374425 (VCV003374425.2).

Conditions:
Long QT syndrome 5 (LQT5). Identifiers: Orphanet 101016, Orphanet 768, MedGen C1867904, MONDO:0013372, OMIM 613695.

Submission:

Roden Lab, Vanderbilt University Medical Center
No classification provided (evidence only). Condition: Long QT syndrome 5. Review status: no classification provided. Collection method: in vitro. Allele origin: not applicable. Functional consequence: Effect on ion channel function.
ClinVar note: "not provided" was previously submitted as the classification for the variant. However, the classification appeared to be based only on an observation of functional data so it was converted to no classification on 2025-07-30.